The following is an entry in ClinVar:

NM_138694.4(PKHD1):c.126del (p.Phe42fs)

Gene: PKHD1 (PKHD1 ciliary IPT domain containing fibrocystin/polyductin; minus strand). Cytogenetic location: 6p12.2.
Variant type: Deletion.
Coding change: c.126del on transcript NM_138694.4 (MANE Select); coding-DNA position 126, one base deleted (T; older notation c.126delT).
Protein change: p.Phe42fs; shifts the reading frame from phenylalanine 42.
Molecular consequence: frameshift variant.
Genome position (GRCh38, 1-based): chr6:52,083,182, A deleted on the plus strand (T on the coding strand, the reverse complement: PKHD1 is on the minus strand); the first of 5 consecutive A bases (chr6:52,083,182-52,083,186); deleting any one gives the same sequence. VCF-style (leftmost placement, unchanged base first): chr6-52083181-CA-C. GRCh37 (hg19) VCF-style: chr6-51947979-CA-C.
Other names: c.126del, p.Phe42fs (NM_170724.3); short protein forms F42fs.
Identifiers: ClinVar variation 932185 (VCV000932185.8), dbSNP rs760586271, ClinGen allele CA3854037.
Genomic context (GRCh38, chr6:52,083,181, plus strand): 5'-CTTTAGGATTGTGGGTCAATACATAAGAAATGTGCACTTGGTAAAACCCCAACCTACCAT[CA>C]AAAATGACTGTGATCCACGTTCCCCCTGCAAGGCTACCTTCTTCAGGTTCAATATGTAAA-3'

ClinVar aggregate classification (germline): Pathogenic/Likely pathogenic. Review status: criteria provided, multiple submitters, no conflicts (2 of 4 stars). 6 submissions from 6 submitters: Pathogenic (5); Likely pathogenic (1). Last evaluated 2025-07-28.

Conditions:
Polycystic kidney disease 4 (PKD4). Also called: POLYCYSTIC KIDNEY DISEASE 4 WITH OR WITHOUT POLYCYSTIC LIVER DISEASE; POLYCYSTIC KIDNEY AND HEPATIC DISEASE 1; POLYCYSTIC KIDNEY DISEASE, INFANTILE, TYPE I; PKD3; Autosomal Recessive Polycystic Kidney Disease – PKHD1. Identifiers: MedGen C4540575, MONDO:0033004, OMIM 263200.
PKHD1-related disorder. Also called: PKHD1-related condition.
Autosomal recessive polycystic kidney disease (ARPKD). Also called: AR polycystic kidney disease. Identifiers: Orphanet 731, Orphanet 8378, MedGen C0085548, MeSH D017044, MONDO:0009889.

Submissions (6):

Natera, Inc.
Classification: Pathogenic for Autosomal recessive polycystic kidney disease. Last evaluated: 2025-07-28. Review status: criteria provided, single submitter. Criteria: Natera Variant Classification Schema (03/2026). Collection method: clinical testing. Allele origin: germline.
Comment: The c.126delT variant in PKHD1 is a frameshift variant predicted to shift the reading frame beginning at codon 42 and leads to a stop codon 22 codons downstream. This variant is expected to result in nonsense mediated decay, truncation, or a dysfunctional protein product. This variant is rare in the general population with a frequency below the threshold expected for the associated phenotype(s). This variant has been observed in one or more individuals affected with the associated recessive disease, as either homozygous or compound heterozygous with a second variant (PMID: 12506140). Given the available evidence, this variant is classified as Pathogenic.

PreventionGenetics, part of Exact Sciences
Classification: Pathogenic for PKHD1-related condition. Last evaluated: 2024-12-30. Review status: criteria provided, single submitter. Criteria: ACMG Guidelines, 2015. Collection method: clinical testing. Allele origin: germline.
Comment: The PKHD1 c.126delT variant is predicted to result in a frameshift and premature protein termination (p.Phe42Leufs*22). This variant has been reported to be causative for autosomal recessive polycystic kidney disease (ARPKD) (see for example, Bergmann et al. 2003. PubMed ID: 12506140). This variant is reported in 0.00088% of alleles in individuals of European (Non-Finnish) descent in gnomAD. Frameshift variants in PKHD1 are expected to be pathogenic. This variant is interpreted as pathogenic.

Fulgent Genetics
Classification: Pathogenic for Polycystic kidney disease 4. Last evaluated: 2024-04-18. Review status: criteria provided, single submitter. Criteria: ACMG Guidelines, 2015. Collection method: clinical testing. Allele origin: germline.

Baylor Genetics
Classification: Pathogenic for Polycystic kidney disease 4. Last evaluated: 2023-11-21. Review status: criteria provided, single submitter. Criteria: ACMG Guidelines, 2015. Collection method: clinical testing. Allele origin: unknown.

Labcorp Genetics (formerly Invitae), Labcorp
Classification: Pathogenic for Autosomal recessive polycystic kidney disease. Last evaluated: 2023-10-22. Review status: criteria provided, single submitter. Criteria: Invitae Variant Classification Sherloc (09022015). Collection method: clinical testing. Allele origin: germline.
Comment: This sequence change creates a premature translational stop signal (p.Phe42Leufs*22) in the PKHD1 gene. It is expected to result in an absent or disrupted protein product. Loss-of-function variants in PKHD1 are known to be pathogenic (PMID: 19940839). This variant is not present in population databases (gnomAD no frequency). This premature translational stop signal has been observed in individual(s) with polycystic kidney disease (PMID: 12506140). ClinVar contains an entry for this variant (Variation ID: 932185). For these reasons, this variant has been classified as Pathogenic.

Women's Health and Genetics/Laboratory Corporation of America, LabCorp
Classification: Likely pathogenic for Autosomal recessive polycystic kidney disease. Last evaluated: 2020-05-01. Review status: criteria provided, single submitter. Criteria: LabCorp Variant Classification Summary - May 2015. Collection method: clinical testing. Allele origin: germline.
Comment: Variant summary: PKHD1 c.126delT (p.Phe42LeufsX22) results in a premature termination codon, predicted to cause a truncation of the encoded protein or absence of the protein due to nonsense mediated decay, which are commonly known mechanisms for disease. Truncations downstream of this position have been classified as pathogenic by our laboratory. The variant allele was found at a frequency of 4e-06 in 251614 control chromosomes (gnomAD and publication). c.126delT has been reported in the literature in individuals affected with Polycystic Kidney And Hepatic Disease (Bergmann_2003, Chumley_2019). These data indicate that the variant may be associated with disease. To our knowledge, no experimental evidence demonstrating an impact on protein function has been reported. No clinical diagnostic laboratories have submitted clinical-significance assessments for this variant to ClinVar after 2014. Based on the evidence outlined above, the variant was classified as likely pathogenic.

Literature cited by the submitters: PubMed 12506140 (cited by 3 submitters); PubMed 19940839 (cited by Labcorp Genetics (formerly Invitae), Labcorp); PubMed 15805161 (cited by Women's Health and Genetics/Laboratory Corporation of America, LabCorp); PubMed 15108277 (cited by Women's Health and Genetics/Laboratory Corporation of America, LabCorp); PubMed 14741187 (cited by Women's Health and Genetics/Laboratory Corporation of America, LabCorp); PubMed 30566001 (cited by Women's Health and Genetics/Laboratory Corporation of America, LabCorp).